The following is an entry in ClinVar:

ClinVar aggregate classification (germline): Uncertain significance (1 of 4 stars; one submission).

Conditions:
Dystonia 12 (DYT12). Also called: Rapid-Onset Dystonia-Parkinsonism (RDP); DYT-ATP1A3. Identifiers: Orphanet 71517, MedGen C1868681, MONDO:0007496, OMIM 128235.

Allele frequency attached by ClinVar (database versions not stated): TOPMed below 0.00001; gnomAD 0.00001.
gnomAD v4.1: 1 of 1,613,566 alleles (0.000062%); highest among the groups gnomAD compares: Non-Finnish European, 0.000085%; no homozygotes.

Submission:

Labcorp Genetics (formerly Invitae), Labcorp
Classification: Uncertain significance for Dystonia 12. Last evaluated: 2023-10-10. Review status: criteria provided, single submitter. Criteria: Invitae Variant Classification Sherloc (09022015). Collection method: clinical testing. Allele origin: germline.
Comment: This sequence change replaces asparagine, which is neutral and polar, with serine, which is neutral and polar, at codon 321 of the ATP1A3 protein (p.Asn321Ser). This variant is not present in population databases (gnomAD no frequency). This variant has not been reported in the literature in individuals affected with ATP1A3-related conditions. ClinVar contains an entry for this variant (Variation ID: 1906173). Advanced modeling of protein sequence and biophysical properties (such as structural, functional, and spatial information, amino acid conservation, physicochemical variation, residue mobility, and thermodynamic stability) performed at Invitae indicates that this missense variant is expected to disrupt ATP1A3 protein function. In summary, the available evidence is currently insufficient to determine the role of this variant in disease. Therefore, it has been classified as a Variant of Uncertain Significance.

NM_152296.5(ATP1A3):c.962A>G (p.Asn321Ser)

Gene: ATP1A3 (ATPase Na+/K+ transporting subunit alpha 3; minus strand). Cytogenetic location: 19q13.2.
Variant type: single nucleotide variant.
Coding change: c.962A>G on transcript NM_152296.5 (MANE Select); coding-DNA position 962, A replaced by G.
Protein change: p.Asn321Ser; replaces asparagine 321 with serine.
Molecular consequence: missense variant.
Genome position (GRCh38, 1-based): chr19:41,984,949, T>C on the plus strand (A>G on the coding strand, the complement: ATP1A3 is on the minus strand). VCF-style: chr19-41984949-T-C. GRCh37 (hg19) VCF-style: chr19-42489101-T-C.
Other names: c.995A>G, p.Asn332Ser (NM_001256213.2); c.1001A>G, p.Asn334Ser (NM_001256214.2); short protein forms N321S, N334S, N332S.
Identifiers: ClinVar variation 1906173 (VCV001906173.5), dbSNP rs1176093601, ClinGen allele CA406052198.